The following is an entry in ClinVar:

ClinVar aggregate classification (germline): Uncertain significance. Review status: criteria provided, multiple submitters, no conflicts (2 of 4 stars). 3 submissions from 3 submitters: Uncertain significance (3). Last evaluated 2024-08-27.

Conditions:
Rhabdoid tumor predisposition syndrome 2 (RTPS2). Identifiers: Orphanet 231108, Orphanet 69077, MedGen C2750074, MONDO:0013224, OMIM 613325.
Hereditary cancer-predisposing syndrome. Also called: Hereditary neoplastic syndrome; Hereditary Cancer Syndrome; Tumor predisposition; Neoplastic Syndromes, Hereditary. Identifiers: Orphanet 140162, MedGen C0027672, MeSH D009386, MONDO:0015356.

Allele frequency attached by ClinVar (database versions not stated): gnomAD exomes below 0.00001; ExAC 0.00001.
gnomAD v4.1: 1 of 1,612,620 alleles (0.000062%); highest among the groups gnomAD compares: Admixed American, 0.0017%; no homozygotes.

Submissions (3):

Ambry Genetics
Classification: Uncertain significance for Hereditary cancer-predisposing syndrome. Last evaluated: 2024-08-27. Review status: criteria provided, single submitter. Criteria: Ambry Variant Classification Scheme 2023. Collection method: clinical testing. Allele origin: germline.
Comment: The p.D1466N variant (also known as c.4396G>A), located in coding exon 30 of the SMARCA4 gene, results from a G to A substitution at nucleotide position 4396. The aspartic acid at codon 1466 is replaced by asparagine, an amino acid with highly similar properties. This amino acid position is conserved. In addition, this alteration is predicted to be tolerated by in silico analysis. Based on the available evidence, the clinical significance of this variant remains unclear.

Labcorp Genetics (formerly Invitae), Labcorp
Classification: Uncertain significance for Rhabdoid tumor predisposition syndrome 2. Last evaluated: 2023-12-18. Review status: criteria provided, single submitter. Criteria: Invitae Variant Classification Sherloc (09022015). Collection method: clinical testing. Allele origin: germline.
Comment: This sequence change replaces aspartic acid, which is acidic and polar, with asparagine, which is neutral and polar, at codon 1466 of the SMARCA4 protein (p.Asp1466Asn). This variant is not present in population databases (gnomAD no frequency). This variant has not been reported in the literature in individuals affected with SMARCA4-related conditions. ClinVar contains an entry for this variant (Variation ID: 1523811). Advanced modeling of protein sequence and biophysical properties (such as structural, functional, and spatial information, amino acid conservation, physicochemical variation, residue mobility, and thermodynamic stability) has been performed at Invitae for this missense variant, however the output from this modeling did not meet the statistical confidence thresholds required to predict the impact of this variant on SMARCA4 protein function. In summary, the available evidence is currently insufficient to determine the role of this variant in disease. Therefore, it has been classified as a Variant of Uncertain Significance.

Sema4
Classification: Uncertain significance for Hereditary cancer-predisposing syndrome. Last evaluated: 2021-11-15. Review status: criteria provided, single submitter. Criteria: Sema4 Curation Guidelines. Collection method: curation. Allele origin: germline.
Comment: The SMARCA4 c.4396G>A (p.D1466N) variant has not been reported in the literature to our knowledge. This variant was observed in 1/34496 chromosomes in the Latino subpopulation in the large and broad cohorts of the Genome Aggregation Database (PMID: 32461654). The variant has not been reported in ClinVar. Functional studies have not been performed, and in silico predictions of the variant's effect on protein function are inconclusive. The evidence is insufficient to meet ACMG/AMP criteria for classifying the variant as benign or pathogenic. Thus, the clinical significance of this variant is currently uncertain.

NM_003072.5(SMARCA4):c.4300G>A (p.Asp1434Asn)

Gene: SMARCA4 (SWI/SNF related BAF chromatin remodeling complex subunit ATPase 4; plus strand). Cytogenetic location: 19p13.2.
Variant type: single nucleotide variant.
Coding change: c.4300G>A on transcript NM_003072.5 (MANE Select); coding-DNA position 4300, G replaced by A.
Protein change: p.Asp1434Asn; replaces aspartic acid 1434 with asparagine.
Molecular consequence: missense variant. On other transcripts: non-coding transcript variant (1).
Genome position (GRCh38, 1-based): chr19:11,041,436, G>A. VCF-style: chr19-11041436-G-A. GRCh37 (hg19) VCF-style: chr19-11152112-G-A.
Other names: c.4300G>A, p.Asp1434Asn (NM_001128844.3); c.4210G>A, p.Asp1404Asn (NM_001128845.2, NM_001128846.2); c.4201G>A, p.Asp1401Asn (NM_001128847.4, NM_001128848.2, NM_001374457.1); c.4396G>A, p.Asp1466Asn (NM_001128849.3, NM_001387283.1); short protein forms D1404N, D1401N, D1466N, D1434N.
Identifiers: ClinVar variation 1523811 (VCV001523811.11), dbSNP rs756599243, ClinGen allele CA9204697.